The following is an entry in ClinVar:

NM_002241.5(KCNJ10):c.*1161T>C

Gene: KCNJ10 (potassium inwardly rectifying channel subfamily J member 10; minus strand). Cytogenetic location: 1q23.2.
Variant type: single nucleotide variant.
Coding change: c.*1161T>C on transcript NM_002241.5 (MANE Select); 1161 bases downstream of the stop codon, T replaced by C.
Molecular consequence: 3 prime UTR variant.
Genome position (GRCh38, 1-based): chr1:160,040,232, A>G on the plus strand (T>C on the coding strand, the complement: KCNJ10 is on the minus strand). VCF-style: chr1-160040232-A-G. GRCh37 (hg19) VCF-style: chr1-160010022-A-G.
Identifiers: ClinVar variation 293106 (VCV000293106.32), dbSNP rs149832483, ClinGen allele CA10607911.

ClinVar aggregate classification (germline): Conflicting classifications of pathogenicity. Review status: criteria provided, conflicting classifications (1 of 4 stars). 3 submissions from 2 submitters: Uncertain significance (2); Likely benign (1). Last evaluated 2023-07-01.

Conditions:
EAST syndrome (SESAMES). Also called: SEIZURES, SENSORINEURAL DEAFNESS, ATAXIA, IMPAIRED INTELLECTUAL DEVELOPMENT, AND ELECTROLYTE IMBALANCE. Identifiers: Orphanet 199343, MedGen C2748572, MONDO:0013005, OMIM 612780.
Autosomal recessive nonsyndromic hearing loss 4 (DFNB4). Also called: FOXI1-Related Pendred Syndrome; KCNJ10-Related Pendred Syndrome; DEAFNESS, AUTOSOMAL RECESSIVE 4, WITH ENLARGED VESTIBULAR AQUEDUCT, DIGENIC; Nonsyndromic enlarged vestibular aqueduct (NSEVA); Deafness, autosomal recessive 4, with enlarged vestibular aqueduct; Deafness, autosomal recessive 4. Identifiers: Orphanet 90636, MedGen C3538946, MONDO:0010933, OMIM 600791.

Allele frequency attached by ClinVar (database versions not stated): 1000 Genomes Project 0.00200; 1000 Genomes Project 30x 0.00219; TOPMed 0.00413; gnomAD 0.00453 and 0.00464; gnomAD exomes 0.00581.

Submissions (3):

CeGaT Center for Human Genetics Tuebingen
Classification: Likely benign. Last evaluated: 2023-07-01. Review status: criteria provided, single submitter. Criteria: CeGaT Center For Human Genetics Tuebingen Variant Classification Criteria Version 2. Collection method: clinical testing. Allele origin: germline. Affected: yes. Observed: 14 variant alleles.
Comment: KCNJ10: BS2

Illumina Laboratory Services, Illumina
Classification: Uncertain significance for EAST syndrome. Last evaluated: 2018-01-13. Review status: criteria provided, single submitter. Criteria: ICSL Variant Classification Criteria 13 December 2019. Collection method: clinical testing. Allele origin: germline.

Illumina Laboratory Services, Illumina
Classification: Uncertain significance for Autosomal recessive nonsyndromic hearing loss 4. Last evaluated: 2018-01-13. Review status: criteria provided, single submitter. Criteria: ICSL Variant Classification Criteria 13 December 2019. Collection method: clinical testing. Allele origin: germline.